The following is an entry in ClinVar:

ClinVar aggregate classification (germline): Uncertain significance (1 of 4 stars; one submission).

gnomAD v4.1: 10 of 1,612,652 alleles (0.00062%); highest among the groups gnomAD compares: Admixed American, 0.0033%; no homozygotes.

Submission:

Women's Health and Genetics/Laboratory Corporation of America, LabCorp
Classification: Uncertain significance. Last evaluated: 2024-06-13. Review status: criteria provided, single submitter. Criteria: LabCorp Variant Classification Summary - May 2015. Collection method: clinical testing. Allele origin: germline.
Comment: Variant summary: CYP11B1 c.1393C>T (p.His465Tyr) results in a conservative amino acid change in the encoded protein sequence. Four of five in-silico tools predict a benign effect of the variant on protein function. The variant allele was found at a frequency of 8e-06 in 249402 control chromosomes. The available data on variant occurrences in the general population are insufficient to allow any conclusion about variant significance. To our knowledge, no occurrence of c.1393C>T in individuals affected with CYP11B1-related conditions and no experimental evidence demonstrating its impact on protein function have been reported. No submitters have cited clinical-significance assessments for this variant to ClinVar. Based on the evidence outlined above, the variant was classified as uncertain significance.

NM_000497.4(CYP11B1):c.1393C>T (p.His465Tyr)

Genes: CYP11B1 (cytochrome P450 family 11 subfamily B member 1; minus strand), LOC106799833 (CYP11B1 recombination region; plus strand). Cytogenetic location: 8q24.3.
Variant type: single nucleotide variant.
Coding change: c.1393C>T on transcript NM_000497.4 (MANE Select); coding-DNA position 1393, C replaced by T.
Protein change: p.His465Tyr; replaces histidine 465 with tyrosine.
Molecular consequence: missense variant. On other transcripts: intron variant (1).
Genome position (GRCh38, 1-based): chr8:142,874,962, G>A on the plus strand (C>T on the coding strand, the complement: CYP11B1 is on the minus strand). VCF-style: chr8-142874962-G-A. GRCh37 (hg19) VCF-style: chr8-143956378-G-A.
Other names: c.1200+272C>T (NM_001026213.1); short protein forms H465Y.
Identifiers: ClinVar variation 3339562 (VCV003339562.1).